The following is an entry in ClinVar:

ClinVar aggregate classification (germline): Uncertain significance (1 of 4 stars; one submission).

Conditions:
Charcot-Marie-Tooth disease type 4. Also called: Charcot-Marie-Tooth, Type 4; Charcot-Marie-Tooth disease, type IV. Identifiers: Orphanet 64749, MedGen C4082197, MONDO:0018995.

Allele frequency attached by ClinVar (database versions not stated): gnomAD 0.00001.
gnomAD v4.1: 1 of 1,613,940 alleles (0.000062%); no homozygotes.

Submission:

Labcorp Genetics (formerly Invitae), Labcorp
Classification: Uncertain significance for Charcot-Marie-Tooth disease type 4. Last evaluated: 2018-12-10. Review status: criteria provided, single submitter. Criteria: Invitae Variant Classification Sherloc (09022015). Collection method: clinical testing. Allele origin: germline.
Comment: In summary, the available evidence is currently insufficient to determine the role of this variant in disease. Therefore, it has been classified as a Variant of Uncertain Significance. Algorithms developed to predict the effect of missense changes on protein structure and function are either unavailable or do not agree on the potential impact of this missense change (SIFT: "Tolerated"; PolyPhen-2: "Probably Damaging"; Align-GVGD: "Class C0"). This variant has not been reported in the literature in individuals with MTMR2-related disease. This variant is not present in population databases (ExAC no frequency). This sequence change replaces asparagine with lysine at codon 109 of the MTMR2 protein (p.Asn109Lys). The asparagine residue is moderately conserved and there is a moderate physicochemical difference between asparagine and lysine.

NM_016156.6(MTMR2):c.327T>G (p.Asn109Lys)

Gene: MTMR2 (myotubularin related protein 2; minus strand). Cytogenetic location: 11q21.
Variant type: single nucleotide variant.
Coding change: c.327T>G on transcript NM_016156.6 (MANE Select); coding-DNA position 327, T replaced by G.
Protein change: p.Asn109Lys; replaces asparagine 109 with lysine.
Molecular consequence: missense variant.
Genome position (GRCh38, 1-based): chr11:95,862,302, A>C on the plus strand (T>G on the coding strand, the complement: MTMR2 is on the minus strand). VCF-style: chr11-95862302-A-C. GRCh37 (hg19) VCF-style: chr11-95595466-A-C.
Other names: c.111T>G, p.Asn37Lys (NM_001243571.2, NM_201278.3, NM_201281.3); short protein forms N37K, N109K.
Identifiers: ClinVar variation 658655 (VCV000658655.8), dbSNP rs1322357085, ClinGen allele CA382430093.